The following is an entry in ClinVar:

NM_001458.5(FLNC):c.7665T>A (p.Cys2555Ter)

Genes: FLNC (filamin C; plus strand), FLNC-AS1 (FLNC antisense RNA 1; minus strand). Cytogenetic location: 7q32.1.
Variant type: single nucleotide variant.
Coding change: c.7665T>A on transcript NM_001458.5 (MANE Select); coding-DNA position 7665, T replaced by A.
Protein change: p.Cys2555Ter; replaces cysteine 2555 with a stop codon.
Molecular consequence: nonsense.
Genome position (GRCh38, 1-based): chr7:128,857,221, T>A. VCF-style: chr7-128857221-T-A. GRCh37 (hg19) VCF-style: chr7-128497275-T-A.
Other names: c.7566T>A, p.Cys2522Ter (NM_001127487.2); short protein forms C2522*, C2555*.
Identifiers: ClinVar variation 3340710 (VCV003340710.2).

ClinVar aggregate classification (germline): Pathogenic. Review status: criteria provided, multiple submitters, no conflicts (2 of 4 stars). 2 submissions from 2 submitters: Pathogenic (2). Last evaluated 2025-11-17.

Conditions:
Myofibrillar myopathy 5. Also called: Filaminopathy (type); FILAMINOPATHY, AUTOSOMAL DOMINANT. Identifiers: Orphanet 171445, MedGen C1836050, MONDO:0012289, OMIM 609524.
Distal myopathy with posterior leg and anterior hand involvement. Also called: WILLIAMS DISTAL MYOPATHY. Identifiers: Orphanet 63273, MedGen C3279722, MONDO:0013550, OMIM 614065.
Hypertrophic cardiomyopathy 26. Also called: Cardiomyopathy, familial hypertrophic, 26. Identifiers: Orphanet 75249, MedGen C4310749, MONDO:0014883, OMIM 617047.

Submissions (2):

Labcorp Genetics (formerly Invitae), Labcorp
Classification: Pathogenic for Distal myopathy with posterior leg and anterior hand involvement; Myofibrillar myopathy 5; Hypertrophic cardiomyopathy 26. Last evaluated: 2025-11-17. Review status: criteria provided, single submitter. Criteria: Invitae Variant Classification Sherloc (09022015). Collection method: clinical testing. Allele origin: germline.
Comment: This sequence change creates a premature translational stop signal (p.Cys2555*) in the FLNC gene. It is expected to result in an absent or disrupted protein product. Loss-of-function variants in FLNC are known to be pathogenic (PMID: 27908349). This variant is not present in population databases (gnomAD no frequency). This premature translational stop signal has been observed in individual(s) with hypertrophic cardiomyopathy (PMID: 30418145). ClinVar contains an entry for this variant (Variation ID: 3340710). For these reasons, this variant has been classified as Pathogenic.

GeneDx
Classification: Pathogenic. Last evaluated: 2024-01-23. Review status: criteria provided, single submitter. Criteria: GeneDx Variant Classification Process June 2021. Collection method: clinical testing. Allele origin: germline. Affected: yes.
Comment: Not observed at significant frequency in large population cohorts (gnomAD); Nonsense variant predicted to result in protein truncation or nonsense mediated decay in a gene for which loss of function is a known mechanism of disease; This variant is associated with the following publications: (PMID: 32112656, 31245841, 30418145)

Literature cited by the submitters: PubMed 27908349 (cited by Labcorp Genetics (formerly Invitae), Labcorp); PubMed 30418145 (cited by Labcorp Genetics (formerly Invitae), Labcorp).